The following is an entry in ClinVar:

ClinVar aggregate classification (germline): Uncertain significance (1 of 4 stars; one submission).

gnomAD v4.1: 15 of 1,611,392 alleles (0.00093%); highest among the groups gnomAD compares: Admixed American, 0.0034%; no homozygotes.

Submission:

GeneDx
Classification: Uncertain significance. Last evaluated: 2024-11-11. Review status: criteria provided, single submitter. Criteria: GeneDx Variant Classification Process June 2021. Collection method: clinical testing. Allele origin: germline.
Comment: Not observed at significant frequency in large population cohorts (gnomAD); Missense variant in a gene in which most reported pathogenic variants are truncating/loss of function; Has not been previously published as pathogenic or benign to our knowledge

NM_001267550.2(TTN):c.44017C>T (p.Arg14673Trp)

Gene: TTN (titin; minus strand). Cytogenetic location: 2q31.2.
Variant type: single nucleotide variant.
Coding change: c.44017C>T on transcript NM_001267550.2 (MANE Select); coding-DNA position 44017, C replaced by T.
Protein change: p.Arg14673Trp; replaces arginine 14673 with tryptophan.
Molecular consequence: missense variant.
Genome position (GRCh38, 1-based): chr2:178,630,941, G>A on the plus strand (C>T on the coding strand, the complement: TTN is on the minus strand). VCF-style: chr2-178630941-G-A. GRCh37 (hg19) VCF-style: chr2-179495668-G-A.
Other names: c.39094C>T, p.Arg13032Trp (NM_001256850.1); c.16822C>T, p.Arg5608Trp (NM_003319.4); c.36313C>T, p.Arg12105Trp (NM_133378.4); c.17197C>T, p.Arg5733Trp (NM_133432.3); c.17398C>T, p.Arg5800Trp (NM_133437.4); short protein forms R12105W, R13032W, R14673W, R5608W, R5733W, R5800W.
Identifiers: ClinVar variation 3375758 (VCV003375758.2).